The following is an entry in ClinVar:

NM_000235.4(LIPA):c.655T>A (p.Leu219Ile)

Gene: LIPA (lipase A, lysosomal acid type; minus strand). Cytogenetic location: 10q23.31.
Variant type: single nucleotide variant.
Coding change: c.655T>A on transcript NM_000235.4 (MANE Select); coding-DNA position 655, T replaced by A.
Protein change: p.Leu219Ile; replaces leucine 219 with isoleucine.
Molecular consequence: missense variant.
Genome position (GRCh38, 1-based): chr10:89,225,112, A>T on the plus strand (T>A on the coding strand, the complement: LIPA is on the minus strand). VCF-style: chr10-89225112-A-T. GRCh37 (hg19) VCF-style: chr10-90984869-A-T.
Other names: p.Leu219Ile; c.676T>A, p.Leu226Ile (NM_001440837.1); c.670T>A, p.Leu224Ile (NM_001440838.1); c.487T>A, p.Leu163Ile (NM_001440839.1); c.655T>A, p.Leu219Ile (NM_001440818.1, NM_001440819.1, NM_001440820.1 and 16 more transcripts); c.307T>A, p.Leu103Ile (NM_001288979.2); c.787T>A, p.Leu263Ile (NM_001440836.1); short protein forms L226I, L163I, L219I, L224I, L103I, L263I.
Identifiers: ClinVar variation 4541563 (VCV004541563.1).

ClinVar aggregate classification (germline): Uncertain significance (1 of 4 stars; one submission).

gnomAD v4.1: 15 of 1,614,070 alleles (0.00093%); highest among the groups gnomAD compares: Non-Finnish European, 0.0013%; no homozygotes.

Submission:

Mayo Clinic Laboratories, Mayo Clinic
Classification: Uncertain significance. Last evaluated: 2025-12-05. Review status: criteria provided, single submitter. Criteria: ACMG Guidelines, 2015. Collection method: clinical testing. Allele origin: germline. Observed: 1 variant allele.
Comment: BP4_moderate